The following is an entry in ClinVar:

NM_001384272.1(HCRTR2):c.213G>A (p.Gly71=)

Gene: HCRTR2 (hypocretin receptor 2; plus strand). Cytogenetic location: 6p12.1.
Variant type: single nucleotide variant.
Coding change: c.213G>A on transcript NM_001384272.1 (MANE Select); coding-DNA position 213, G replaced by A.
Protein change: p.Gly71=; no amino-acid change (glycine 71 retained).
Molecular consequence: synonymous variant.
Genome position (GRCh38, 1-based): chr6:55,174,800, G>A. VCF-style: chr6-55174800-G-A. GRCh37 (hg19) VCF-style: chr6-55039598-G-A.
Other names: c.213G>A, p.Gly71= (NM_001526.5).
Identifiers: ClinVar variation 3044525 (VCV003044525.2), dbSNP rs150493791, ClinGen allele CA3863392.

ClinVar aggregate classification (germline): Likely benign (0 of 4 stars; one submission).

Conditions:
HCRTR2-related disorder. Also called: HCRTR2-related condition.

Allele frequency attached by ClinVar (database versions not stated): ExAC 0.00007; gnomAD 0.00017; TOPMed 0.00018; ESP Exome Variant Server 0.00023.
gnomAD v4.1: 64 of 1,613,844 alleles (0.004%); highest among the groups gnomAD compares: African/African-American, 0.084%; no homozygotes.

Submission:

PreventionGenetics, part of Exact Sciences
Classification: Likely benign for HCRTR2-related condition. Last evaluated: 2019-06-04. Review status: no assertion criteria provided. Collection method: clinical testing. Allele origin: germline.
Comment: This variant is classified as likely benign based on ACMG/AMP sequence variant interpretation guidelines (Richards et al. 2015 PMID: 25741868, with internal and published modifications).